The following is an entry in ClinVar:

NM_001354930.2(RIPK1):c.974G>A (p.Cys325Tyr)

Gene: RIPK1 (receptor interacting serine/threonine kinase 1; plus strand). Cytogenetic location: 6p25.2.
Variant type: single nucleotide variant.
Coding change: c.974G>A on transcript NM_001354930.2 (MANE Select); coding-DNA position 974, G replaced by A.
Protein change: p.Cys325Tyr; replaces cysteine 325 with tyrosine.
Molecular consequence: missense variant.
Genome position (GRCh38, 1-based): chr6:3,104,283, G>A. VCF-style: chr6-3104283-G-A. GRCh37 (hg19) VCF-style: chr6-3104517-G-A.
Other names: c.485G>A, p.Cys162Tyr (NM_001317061.3, NM_001354932.2, NM_001354933.2 and 1 more transcripts); c.836G>A, p.Cys279Tyr (NM_001354931.2); c.974G>A, p.Cys325Tyr (NM_003804.6); short protein forms C279Y, C162Y, C325Y.
Identifiers: ClinVar variation 1505716 (VCV001505716.8), dbSNP rs2113688877, ClinGen allele CA362570209.

ClinVar aggregate classification (germline): Uncertain significance (1 of 4 stars; one submission).

Submission:

Labcorp Genetics (formerly Invitae), Labcorp
Classification: Uncertain significance. Last evaluated: 2022-02-03. Review status: criteria provided, single submitter. Criteria: Invitae Variant Classification Sherloc (09022015). Collection method: clinical testing. Allele origin: germline.
Comment: In summary, the available evidence is currently insufficient to determine the role of this variant in disease. Therefore, it has been classified as a Variant of Uncertain Significance. This sequence change replaces cysteine, which is neutral and slightly polar, with tyrosine, which is neutral and polar, at codon 325 of the RIPK1 protein (p.Cys325Tyr). This variant is not present in population databases (gnomAD no frequency). This variant has not been reported in the literature in individuals affected with RIPK1-related conditions. Algorithms developed to predict the effect of missense changes on protein structure and function are either unavailable or do not agree on the potential impact of this missense change (SIFT: "Not Available"; PolyPhen-2: "Probably Damaging"; Align-GVGD: "Not Available").